The following is an entry in ClinVar:

NM_020964.3(EPG5):c.430A>G (p.Asn144Asp)

Gene: EPG5 (ectopic P-granules 5 autophagy tethering factor; minus strand). Cytogenetic location: 18q21.1.
Variant type: single nucleotide variant.
Coding change: c.430A>G on transcript NM_020964.3 (MANE Select); coding-DNA position 430, A replaced by G.
Protein change: p.Asn144Asp; replaces asparagine 144 with aspartic acid.
Molecular consequence: missense variant.
Genome position (GRCh38, 1-based): chr18:45,954,972, T>C on the plus strand (A>G on the coding strand, the complement: EPG5 is on the minus strand). VCF-style: chr18-45954972-T-C. GRCh37 (hg19) VCF-style: chr18-43534938-T-C.
Other names: short protein forms N144D.
Identifiers: ClinVar variation 1022454 (VCV001022454.7), dbSNP rs775702849, ClinGen allele CA8949947.

ClinVar aggregate classification (germline): Uncertain significance (1 of 4 stars; one submission).

Conditions:
Vici syndrome (VICIS). Identifiers: Orphanet 1493, MedGen C1855772, MONDO:0009452, OMIM 242840.

Allele frequency attached by ClinVar (database versions not stated): gnomAD exomes below 0.00001 and 0.00001; ExAC 0.00001.
gnomAD v4.1: 2 of 1,614,106 alleles (0.00012%); highest among the groups gnomAD compares: African/African-American, 0.0013%; no homozygotes.

Submission:

Labcorp Genetics (formerly Invitae), Labcorp
Classification: Uncertain significance for Vici syndrome. Last evaluated: 2021-09-01. Review status: criteria provided, single submitter. Criteria: Invitae Variant Classification Sherloc (09022015). Collection method: clinical testing. Allele origin: germline.
Comment: This sequence change replaces asparagine with aspartic acid at codon 144 of the EPG5 protein (p.Asn144Asp). The asparagine residue is weakly conserved and there is a small physicochemical difference between asparagine and aspartic acid. This variant is present in population databases (rs775702849, ExAC 0.002%). This variant has not been reported in the literature in individuals affected with EPG5-related conditions. Algorithms developed to predict the effect of missense changes on protein structure and function output the following: SIFT: "Tolerated"; PolyPhen-2: "Benign"; Align-GVGD: "Class C0". The aspartic acid amino acid residue is found in multiple mammalian species, which suggests that this missense change does not adversely affect protein function. In summary, the available evidence is currently insufficient to determine the role of this variant in disease. Therefore, it has been classified as a Variant of Uncertain Significance.